The following is an entry in ClinVar:

ClinVar aggregate classification (germline): Uncertain significance (1 of 4 stars; one submission).

gnomAD v4.1: 5 of 1,442,076 alleles (0.00035%); highest among the groups gnomAD compares: African/African-American, 0.0073%; no homozygotes.

Submission:

GeneDx
Classification: Uncertain significance. Last evaluated: 2025-05-07. Review status: criteria provided, single submitter. Criteria: GeneDx Variant Classification Process June 2021. Collection method: clinical testing. Allele origin: germline. Affected: yes.
Comment: In silico analysis suggests that this missense variant does not alter protein structure/function; Has not been previously published as pathogenic or benign to our knowledge

NM_022095.4(ZNF335):c.2023G>C (p.Ala675Pro)

Gene: ZNF335 (zinc finger protein 335; minus strand). Cytogenetic location: 20q13.12.
Variant type: single nucleotide variant.
Coding change: c.2023G>C on transcript NM_022095.4 (MANE Select); coding-DNA position 2023, G replaced by C.
Protein change: p.Ala675Pro; replaces alanine 675 with proline.
Molecular consequence: missense variant.
Genome position (GRCh38, 1-based): chr20:45,959,431, C>G on the plus strand (G>C on the coding strand, the complement: ZNF335 is on the minus strand). VCF-style: chr20-45959431-C-G. GRCh37 (hg19) VCF-style: chr20-44588070-C-G.
Other names: short protein forms A675P.
Identifiers: ClinVar variation 4528025 (VCV004528025.1).